The following is an entry in ClinVar:

NM_001048174.2(MUTYH):c.333G>T (p.Gln111His)

Gene: MUTYH (mutY DNA glycosylase; minus strand). Cytogenetic location: 1p34.1.
Variant type: single nucleotide variant.
Coding change: c.333G>T on transcript NM_001048174.2 (MANE Select); coding-DNA position 333, G replaced by T.
Protein change: p.Gln111His; replaces glutamine 111 with histidine.
Molecular consequence: missense variant. On other transcripts: non-coding transcript variant (6), intron variant (3).
Genome position (GRCh38, 1-based): chr1:45,333,142, C>A on the plus strand (G>T on the coding strand, the complement: MUTYH is on the minus strand). VCF-style: chr1-45333142-C-A. GRCh37 (hg19) VCF-style: chr1-45798814-C-A.
Other names: c.333G>T, p.Gln111His (NM_001048171.2, NM_001048173.2, NM_001293195.2 and 6 more transcripts); c.336G>T, p.Gln112His (NM_001048172.2, NM_001407071.1, NM_001407078.1 and 2 more transcripts); c.417G>T, p.Gln139His (NM_001128425.2); c.378G>T, p.Gln126His (NM_001293190.2); c.366G>T, p.Gln122His (NM_001293191.2, NM_001407077.1); c.57G>T, p.Gln19His (NM_001293192.2, NM_001293196.2, NM_001407091.1); c.408G>T, p.Gln136His (NM_001407069.1, NM_012222.3); c.375G>T, p.Gln125His (NM_001407073.1, NM_001407083.1, NM_001407085.1); and 3 more; short protein forms Q125H, Q136H, Q118H, Q139H, Q112H, Q126H, Q19H, Q111H.
Identifiers: ClinVar variation 2453345 (VCV002453345.2), dbSNP rs1557482691, ClinGen allele CA340136158.

ClinVar aggregate classification (germline): Uncertain significance (1 of 4 stars; one submission).

Conditions:
Hereditary cancer-predisposing syndrome. Also called: Neoplastic Syndromes, Hereditary; Tumor predisposition; Hereditary neoplastic syndrome; Hereditary Cancer Syndrome. Identifiers: Orphanet 140162, MedGen C0027672, MeSH D009386, MONDO:0015356.

gnomAD v4.1: 1 of 1,613,994 alleles (0.000062%); no homozygotes.

Submission:

Ambry Genetics
Classification: Uncertain significance for Hereditary cancer-predisposing syndrome. Last evaluated: 2022-11-10. Review status: criteria provided, single submitter. Criteria: Ambry Variant Classification Scheme 2023. Collection method: clinical testing. Allele origin: germline.
Comment: The p.Q139H variant (also known as c.417G>T), located in coding exon 5 of the MUTYH gene, results from a G to T substitution at nucleotide position 417. The glutamine at codon 139 is replaced by histidine, an amino acid with highly similar properties. This amino acid position is conserved. In addition, this alteration is predicted to be deleterious by in silico analysis. Since supporting evidence is limited at this time, the clinical significance of this alteration remains unclear.